The following is an entry in ClinVar:

NM_006231.4(POLE):c.2360A>G (p.Asp787Gly)

Gene: POLE (DNA polymerase epsilon, catalytic subunit; minus strand). Cytogenetic location: 12q24.33.
Variant type: single nucleotide variant.
Coding change: c.2360A>G on transcript NM_006231.4 (MANE Select); coding-DNA position 2360, A replaced by G.
Protein change: p.Asp787Gly; replaces aspartic acid 787 with glycine.
Molecular consequence: missense variant.
Genome position (GRCh38, 1-based): chr12:132,665,410, T>C on the plus strand (A>G on the coding strand, the complement: POLE is on the minus strand). VCF-style: chr12-132665410-T-C. GRCh37 (hg19) VCF-style: chr12-133241996-T-C.
Other names: short protein forms D787G.
Identifiers: ClinVar variation 2447922 (VCV002447922.2), dbSNP rs1429203669, ClinGen allele CA387397721.
Genomic context (GRCh38, chr12:132,665,410, plus strand): 5'-GCCAGCTGCAGCGAGTCATACAGCACCTCCATGTTCTTGCAGCGCTTCACCTCAGCCGCG[T>C]CGCCCACCTCCACGGCCGCCGAGAGCTTCTTTTTCCACACCTGAGAAGCACATGAACATG-3'
Protein context (NP_006222.2, residues 777-797): KKLSAAVEVG[Asp787Gly]AAEVKRCKNM

ClinVar aggregate classification (germline): Uncertain significance (1 of 4 stars; one submission).

Conditions:
Hereditary cancer-predisposing syndrome. Also called: Neoplastic Syndromes, Hereditary; Hereditary Cancer Syndrome; Tumor predisposition; Hereditary neoplastic syndrome. Identifiers: Orphanet 140162, MedGen C0027672, MeSH D009386, MONDO:0015356.

Allele frequency attached by ClinVar (database versions not stated): gnomAD exomes 0.00001.
gnomAD v4.1: 3 of 1,613,266 alleles (0.00019%); highest among the groups gnomAD compares: South Asian, 0.0033%; no homozygotes.

Submission:

Ambry Genetics
Classification: Uncertain significance for Hereditary cancer-predisposing syndrome. Last evaluated: 2022-11-26. Review status: criteria provided, single submitter. Criteria: Ambry Variant Classification Scheme 2023. Collection method: clinical testing. Allele origin: germline.
Comment: The p.D787G variant (also known as c.2360A>G), located in coding exon 21 of the POLE gene, results from an A to G substitution at nucleotide position 2360. The aspartic acid at codon 787 is replaced by glycine, an amino acid with similar properties. This amino acid position is conserved. In addition, this alteration is predicted to be tolerated by in silico analysis. Since supporting evidence is limited at this time, the clinical significance of this alteration remains unclear.